The following is an entry in ClinVar:

ClinVar aggregate classification (germline): Pathogenic (1 of 4 stars; one submission).

Conditions:
Congenital factor V deficiency. Also called: LABILE FACTOR DEFICIENCY; OWREN PARAHEMOPHILIA; PARAHEMOPHILIA; Hereditary factor V deficiency disease. Identifiers: Orphanet 326, MedGen C0015499, MONDO:0009210, OMIM 227400.

Allele frequency attached by ClinVar (database versions not stated): gnomAD exomes below 0.00001.
gnomAD v4.1: 1 of 1,614,030 alleles (0.000062%); highest among the groups gnomAD compares: Non-Finnish European, 0.000085%; no homozygotes.

Submission:

Labcorp Genetics (formerly Invitae), Labcorp
Classification: Pathogenic for Congenital factor V deficiency. Last evaluated: 2024-01-21. Review status: criteria provided, single submitter. Criteria: Invitae Variant Classification Sherloc (09022015). Collection method: clinical testing. Allele origin: germline.
Comment: This sequence change creates a premature translational stop signal (p.Trp982*) in the F5 gene. It is expected to result in an absent or disrupted protein product. Loss-of-function variants in F5 are known to be pathogenic (PMID: 30924984). This variant is not present in population databases (gnomAD no frequency). This variant has not been reported in the literature in individuals affected with F5-related conditions. For these reasons, this variant has been classified as Pathogenic.

Literature cited by the submitters: PubMed 30924984.

NM_000130.5(F5):c.2946G>A (p.Trp982Ter)

Gene: F5 (coagulation factor V; minus strand). Cytogenetic location: 1q24.2.
Variant type: single nucleotide variant.
Coding change: c.2946G>A on transcript NM_000130.5 (MANE Select); coding-DNA position 2946, G replaced by A.
Protein change: p.Trp982Ter; replaces tryptophan 982 with a stop codon.
Molecular consequence: nonsense.
Genome position (GRCh38, 1-based): chr1:169,542,144, C>T on the plus strand (G>A on the coding strand, the complement: F5 is on the minus strand). VCF-style: chr1-169542144-C-T. GRCh37 (hg19) VCF-style: chr1-169511382-C-T.
Other names: short protein forms W982*.
Identifiers: ClinVar variation 2971118 (VCV002971118.3), dbSNP rs2526394415, ClinGen allele CA343119625.